The following is an entry in ClinVar:

ClinVar aggregate classification (germline): Uncertain significance (1 of 4 stars; one submission).

Allele frequency attached by ClinVar (database versions not stated): TOPMed 0.00001; gnomAD 0.00002; gnomAD exomes 0.00002.
gnomAD v4.1: 26 of 1,591,892 alleles (0.0016%); highest among the groups gnomAD compares: Non-Finnish European, 0.0021%; no homozygotes.

Submission:

GeneDx
Classification: Uncertain significance. Last evaluated: 2022-09-19. Review status: criteria provided, single submitter. Criteria: GeneDx Variant Classification Process June 2021. Collection method: clinical testing. Allele origin: germline. Affected: yes.
Comment: Not observed at significant frequency in large population cohorts (gnomAD); In silico analysis supports that this missense variant does not alter protein structure/function; Has not been previously published as pathogenic or benign to our knowledge

NM_001009944.3(PKD1):c.1912C>T (p.Pro638Ser)

Gene: PKD1 (polycystin 1, transient receptor potential channel interacting; minus strand). Cytogenetic location: 16p13.3.
Variant type: single nucleotide variant.
Coding change: c.1912C>T on transcript NM_001009944.3 (MANE Select); coding-DNA position 1912, C replaced by T.
Protein change: p.Pro638Ser; replaces proline 638 with serine.
Molecular consequence: missense variant.
Genome position (GRCh38, 1-based): chr16:2,115,563, G>A on the plus strand (C>T on the coding strand, the complement: PKD1 is on the minus strand). VCF-style: chr16-2115563-G-A. GRCh37 (hg19) VCF-style: chr16-2165564-G-A.
Other names: c.1912C>T, p.Pro638Ser (NM_000296.4); short protein forms P638S.
Identifiers: ClinVar variation 2444824 (VCV002444824.1), dbSNP rs1395843045, ClinGen allele CA394390062.
Genomic context (GRCh38, chr16:2,115,563, plus strand): 5'-CGTCCAGCGGCAAGCAGATGTTGGCTCCAGGGCACCAGCGTCCCCCTGGCATGCACGCGG[G>A]GGCCAGCTGGGTCCTGTTGTCCGGGGACCTGCTCTCAGGCTCGCTGCCGTTCTCCGGGGT-3'
Protein context (NP_001009944.3, residues 628-648): RSPDNRTQLA[Pro638Ser]ACMPGGRWCP